The following is an entry in ClinVar:

ClinVar aggregate classification (germline): Pathogenic. Review status: criteria provided, single submitter (1 of 4 stars). 2 submissions from 2 submitters: Pathogenic (1). 1 of the submissions does not count toward it. Last evaluated 2020-05-25.

Conditions:
Hereditary thrombophilia due to congenital protein S deficiency. Identifiers: Orphanet 743, MedGen C2584611, MONDO:0019144.
Protein S deficiency disease. Also called: Protein S deficiency. Identifiers: MedGen C0242666, MeSH D018455, MONDO:0002304.

Submissions (2):

Victorian Clinical Genetics Services, Murdoch Childrens Research Institute
Classification: Pathogenic for Hereditary thrombophilia due to congenital protein S deficiency. Last evaluated: 2020-05-25. Review status: criteria provided, single submitter. Criteria: ACMG Guidelines, 2015. Collection method: clinical testing. Allele origin: germline. Inheritance: Autosomal dominant inheritance. Affected: no.
Comment: Based on the classification scheme VCGS_Germline_v1.1.1, this variant is classified as Pathogenic. Following criteria are met: 0102 - Loss-of-function is a known mechanism of disease for this gene. (N) 0108 - This gene is known to be associated with both recessive and dominant disease. Most cases reported with dominant inheritance seem to have been caused by protein truncating single nucleotide variants (SNVs) and variants resulting in complete or partial loss of PROS1 gene. Missense variants have more commonly been associated with recessive inheritance, with carrier parents having 50% of protein S free antigen (OMIM). (N) 0112 - Variants in this gene are known to have reduced penetrance (PMID: 31335064). (N) 0201 - Variant is predicted to cause nonsense-mediated decay (NMD) and loss of protein (exon 15 of 16). (P) 0251 - Variant is heterozygous. (N) 0301 - Variant is absent from gnomAD. (P) 0702 - Comparable variants have strong previous evidence for pathogenicity. Several variants predicted to result in NMD have been reported in ClinVar. Hurtado, et. al (2008) has shown NMD as a result of premature termination codon variants. (P) 0807 - Variant has not previously been reported in a clinical context. (N) 0905 - No segregation evidence has been identified for this variant. (N) 1007 - No published functional evidence has been identified for this variant. (N) Legend: (P) - Pathogenic, (N) - Neutral, (B) - Benign

ISTH-SSC Genomics in Thrombosis and Hemostasis, KU Leuven, Center for Molecular and Vascular Biology
Classification: Pathogenic for Protein S deficiency disease. Review status: no assertion criteria provided. Collection method: research. Allele origin: unknown. Affected: yes. Not counted in ClinVar's aggregate classification.
Comment: Submitted to GoldVariant by Dr Karyn Mégy from NIHR Bioresource - Cambridge University, UK

Literature cited by the submitters: PubMed 18322254 (cited by Victorian Clinical Genetics Services, Murdoch Childrens Research Institute); PubMed 31335064 (cited by Victorian Clinical Genetics Services, Murdoch Childrens Research Institute).

NM_000313.4(PROS1):c.1764_1765del (p.Pro589fs)

Gene: PROS1 (protein S; minus strand). Cytogenetic location: 3q11.1.
Variant type: Microsatellite.
Coding change: c.1764_1765del on transcript NM_000313.4 (MANE Select); coding-DNA positions 1764 to 1765, 2 bases deleted (AC; older notation c.1764_1765delAC).
Protein change: p.Pro589fs; shifts the reading frame from proline 589.
Molecular consequence: frameshift variant.
Genome position (GRCh38, 1-based): chr3:93,877,071-93,877,072, GT deleted on the plus strand (AC on the coding strand, the reverse complement: PROS1 is on the minus strand); deleting any 2 consecutive bases within chr3:93,877,071-93,877,074 gives the same sequence; the c. name uses the placement nearest the transcript's 3' end. VCF-style (leftmost placement, unchanged base first): chr3-93877070-GGT-G. GRCh37 (hg19) VCF-style: chr3-93595914-GGT-G.
Other names: c.1860_1861del, p.Pro621fs (NM_001314077.2); c.1860_1861delAC (NM_001314077.1); short protein forms P589fs, P621fs.
Identifiers: ClinVar variation 1684341 (VCV001684341.3), dbSNP rs2107125195, ClinGen allele CA923726127.